The following is an entry in ClinVar:

ClinVar aggregate classification (germline): Uncertain significance. Review status: criteria provided, multiple submitters, no conflicts (2 of 4 stars). 3 submissions from 3 submitters: Uncertain significance (3). Last evaluated 2025-08-18.

Conditions:
Acrodysostosis 1 with or without hormone resistance (ACRDYS1). Also called: ACRODYSOSTOSIS 1 WITH HORMONE RESISTANCE; ACRODYSOSTOSIS 1 WITHOUT HORMONE RESISTANCE; ACRODYSOSTOSIS WITH HORMONE RESISTANCE. Identifiers: Orphanet 280651, MedGen C3276228, MONDO:0007044, OMIM 101800.
Carney complex, type 1 (CNC1). Also called: CARNEY COMPLEX, TYPE I; CARNEY MYXOMA-ENDOCRINE COMPLEX. Identifiers: Orphanet 1359, MedGen C2607929, MONDO:0008057, OMIM 160980.
Hereditary cancer-predisposing syndrome. Also called: Hereditary Cancer Syndrome; Tumor predisposition; Hereditary neoplastic syndrome; Neoplastic Syndromes, Hereditary. Identifiers: Orphanet 140162, MedGen C0027672, MeSH D009386, MONDO:0015356.

Allele frequency attached by ClinVar (database versions not stated): TOPMed below 0.00001.

Submissions (3):

Labcorp Genetics (formerly Invitae), Labcorp
Classification: Uncertain significance for Carney complex, type 1. Last evaluated: 2025-08-18. Review status: criteria provided, single submitter. Criteria: Invitae Variant Classification Sherloc (09022015). Collection method: clinical testing. Allele origin: germline.
Comment: This sequence change replaces glutamic acid, which is acidic and polar, with alanine, which is neutral and non-polar, at codon 107 of the PRKAR1A protein (p.Glu107Ala). This variant is not present in population databases (gnomAD no frequency). This variant has not been reported in the literature in individuals affected with PRKAR1A-related conditions. ClinVar contains an entry for this variant (Variation ID: 644850). Invitae Evidence Modeling of protein sequence and biophysical properties (such as structural, functional, and spatial information, amino acid conservation, physicochemical variation, residue mobility, and thermodynamic stability) has been performed for this missense variant. However, the output from this modeling did not meet the statistical confidence thresholds required to predict the impact of this variant on PRKAR1A protein function. In summary, the available evidence is currently insufficient to determine the role of this variant in disease. Therefore, it has been classified as a Variant of Uncertain Significance.

Baylor Genetics
Classification: Uncertain significance for Acrodysostosis 1 with or without hormone resistance. Last evaluated: 2024-01-24. Review status: criteria provided, single submitter. Criteria: ACMG Guidelines, 2015. Collection method: clinical testing. Allele origin: unknown.

Ambry Genetics
Classification: Uncertain significance for Hereditary cancer-predisposing syndrome. Last evaluated: 2023-04-18. Review status: criteria provided, single submitter. Criteria: Ambry Variant Classification Scheme 2023. Collection method: clinical testing. Allele origin: germline.
Comment: The p.E107A variant (also known as c.320A>C), located in coding exon 2 of the PRKAR1A gene, results from an A to C substitution at nucleotide position 320. The glutamic acid at codon 107 is replaced by alanine, an amino acid with dissimilar properties. This amino acid position is conserved. In addition, this alteration is predicted to be deleterious by in silico analysis. Since supporting evidence is limited at this time, the clinical significance of this alteration remains unclear.

NM_002734.5(PRKAR1A):c.320A>C (p.Glu107Ala)

Gene: PRKAR1A (protein kinase cAMP-dependent type I regulatory subunit alpha; plus strand). Cytogenetic location: 17q24.2.
Variant type: single nucleotide variant.
Coding change: c.320A>C on transcript NM_002734.5 (MANE Select); coding-DNA position 320, A replaced by C.
Protein change: p.Glu107Ala; replaces glutamic acid 107 with alanine.
Molecular consequence: missense variant.
Genome position (GRCh38, 1-based): chr17:68,522,898, A>C. VCF-style: chr17-68522898-A-C. GRCh37 (hg19) VCF-style: chr17-66519039-A-C.
Other names: c.320A>C, p.Glu107Ala (NM_001276289.2, NM_001276290.1, NM_001278433.2 and 4 more transcripts); c.320A>C (NM_002734.3); short protein forms E107A.
Identifiers: ClinVar variation 644850 (VCV000644850.9), dbSNP rs1600479179, ClinGen allele CA400752460.